The following is an entry in ClinVar:

ClinVar aggregate classification (germline): Likely benign (0 of 4 stars; one submission).

Conditions:
SPNS2-related disorder. Also called: SPNS2-related condition.

Allele frequency attached by ClinVar (database versions not stated): ExAC 0.00028; 1000 Genomes Project 30x 0.00078; 1000 Genomes Project 0.00080; gnomAD 0.00110; TOPMed 0.00131; ESP Exome Variant Server 0.00136.
gnomAD v4.1: 332 of 1,612,988 alleles (0.021%); highest among the groups gnomAD compares: African/African-American, 0.41%; 1 homozygote.

Submission:

PreventionGenetics, part of Exact Sciences
Classification: Likely benign for SPNS2-related condition. Last evaluated: 2023-06-07. Review status: no assertion criteria provided. Collection method: clinical testing. Allele origin: germline.
Comment: This variant is classified as likely benign based on ACMG/AMP sequence variant interpretation guidelines (Richards et al. 2015 PMID: 25741868, with internal and published modifications).

NM_001124758.3(SPNS2):c.962C>G (p.Ala321Gly)

Gene: SPNS2 (SPNS lysolipid transporter 2, sphingosine-1-phosphate; plus strand). Cytogenetic location: 17p13.2.
Variant type: single nucleotide variant.
Coding change: c.962C>G on transcript NM_001124758.3 (MANE Select); coding-DNA position 962, C replaced by G.
Protein change: p.Ala321Gly; replaces alanine 321 with glycine.
Molecular consequence: missense variant.
Genome position (GRCh38, 1-based): chr17:4,533,003, C>G. VCF-style: chr17-4533003-C-G. GRCh37 (hg19) VCF-style: chr17-4436298-C-G.
Other names: short protein forms A321G.
Identifiers: ClinVar variation 3056749 (VCV003056749.2), dbSNP rs202128566, ClinGen allele CA8303104.